The following is an entry in ClinVar:

NM_000352.6(ABCC8):c.2941G>T (p.Glu981Ter)

Gene: ABCC8 (ATP binding cassette subfamily C member 8; minus strand). Cytogenetic location: 11p15.1.
Variant type: single nucleotide variant.
Coding change: c.2941G>T on transcript NM_000352.6 (MANE Select); coding-DNA position 2941, G replaced by T.
Protein change: p.Glu981Ter; replaces glutamic acid 981 with a stop codon.
Molecular consequence: nonsense. On other transcripts: non-coding transcript variant (1).
Genome position (GRCh38, 1-based): chr11:17,407,109, C>A on the plus strand (G>T on the coding strand, the complement: ABCC8 is on the minus strand). VCF-style: chr11-17407109-C-A. GRCh37 (hg19) VCF-style: chr11-17428656-C-A.
Other names: c.2944G>T, p.Glu982Ter (NM_001287174.3); c.3007G>T, p.Glu1003Ter (NM_001351295.2); c.2941G>T, p.Glu981Ter (NM_001351296.2); c.2938G>T, p.Glu980Ter (NM_001351297.2); short protein forms E1003*, E980*, E981*, E982*.
Identifiers: ClinVar variation 2788849 (VCV002788849.3), dbSNP rs2496532386, ClinGen allele CA379804306.

ClinVar aggregate classification (germline): Pathogenic (1 of 4 stars; one submission).

Submission:

Labcorp Genetics (formerly Invitae), Labcorp
Classification: Pathogenic. Last evaluated: 2023-04-28. Review status: criteria provided, single submitter. Criteria: Invitae Variant Classification Sherloc (09022015). Collection method: clinical testing. Allele origin: germline.
Comment: This variant is not present in population databases (gnomAD no frequency). This sequence change creates a premature translational stop signal (p.Glu981*) in the ABCC8 gene. It is expected to result in an absent or disrupted protein product. Loss-of-function variants in ABCC8 are known to be pathogenic (PMID: 20685672, 23345197). This variant has not been reported in the literature in individuals affected with ABCC8-related conditions. For these reasons, this variant has been classified as Pathogenic.

Literature cited by the submitters: PubMed 20685672; PubMed 23345197.